The following is an entry in ClinVar:

NM_007294.4(BRCA1):c.64_65dup (p.Leu22fs)

Gene: BRCA1 (BRCA1 DNA repair associated; minus strand). Cytogenetic location: 17q21.31.
Variant type: Duplication.
Coding change: c.64_65dup on transcript NM_007294.4 (MANE Select); coding-DNA positions 64 to 65, 2 bases duplicated (TT; older notation c.64_65dupTT).
Protein change: p.Leu22fs; shifts the reading frame from leucine 22.
Molecular consequence: frameshift variant. On other transcripts: 5 prime UTR variant (1), non-coding transcript variant (1).
Genome position (GRCh38, 1-based): chr17:43,124,032-43,124,033, AA duplicated on the plus strand (TT on the coding strand, the reverse complement: BRCA1 is on the minus strand). VCF-style (leftmost placement, unchanged base first): chr17-43124031-T-TAA. GRCh37 (hg19) VCF-style: chr17-41276048-T-TAA.
Other names: 184_185insTT; 184insTT; c.64_65dupTT (NM_007294.3); c.-125_-124dup (NM_001407571.1, NM_001407853.1, NM_001407879.1 and 46 more transcripts); c.64_65dup, p.Leu22Phefs (NM_001407581.1, NM_001407582.1, NM_001407583.1 and 191 more transcripts); c.-194_-193dup (NM_001407694.1, NM_001407724.1, NM_001407727.1 and 11 more transcripts); c.-198_-197dup (NM_001407695.1, NM_001408465.1); c.-339_-338dup (NM_001407696.1); and 12 more; short protein forms L22fs.
Identifiers: ClinVar variation 236275 (VCV000236275.14), dbSNP rs80357642, ClinGen allele CA003777.
Genomic context (GRCh38, chr17:43,124,031, plus strand): 5'-GATAATCATAGGAATCCCAAATTAATACACTCTTGTGCTGACTTACCAGATGGGACACTC[T>TAA]AAGATTTTCTGCATAGCATTAATGACATTTTGTACTTCTTCAACGCGAAGAGCAGATAAA-3'

ClinVar aggregate classification (germline): Pathogenic. Review status: reviewed by expert panel (3 of 4 stars). 4 submissions from 4 submitters: Pathogenic (1). 3 of the submissions do not count toward it. Last evaluated 2016-04-22.

Conditions:
Hereditary breast ovarian cancer syndrome. Also called: Breast and ovarian cancer; Hereditary breast and ovarian cancer; Hereditary breast and ovarian cancer syndrome; Hereditary breast and/or ovarian cancer syndrome; BRCA1- and BRCA2-Associated Hereditary Breast and Ovarian Cancer; Hereditary breast and ovarian cancer syndrome (HBOC). Identifiers: Orphanet 145, MedGen C0677776, MeSH D061325, MONDO:0003582. Disease mechanism: loss of function.
Breast-ovarian cancer, familial, susceptibility to, 1 (BROVCA1). Also called: BRCA1 Hereditary Breast and Ovarian Cancer; OVARIAN CANCER, SUSCEPTIBILITY TO. Identifiers: Orphanet 145, MedGen C2676676, MONDO:0011450, OMIM 604370. Disease mechanism: loss of function.

Submissions (4):

Evidence-based Network for the Interpretation of Germline Mutant Alleles (ENIGMA)
Classification: Pathogenic for Breast-ovarian cancer, familial, susceptibility to, 1. Last evaluated: 2016-04-22. Review status: reviewed by expert panel. Criteria: ENIGMA BRCA1/2 Classification Criteria (2015). Collection method: curation. Allele origin: germline.
Comment: Variant allele predicted to encode a truncated non-functional protein.

Labcorp Genetics (formerly Invitae), Labcorp
Classification: Pathogenic for Hereditary breast ovarian cancer syndrome. Last evaluated: 2019-10-09. Review status: criteria provided, single submitter. Criteria: Invitae Variant Classification Sherloc (09022015). Collection method: clinical testing. Allele origin: germline. Not counted in ClinVar's aggregate classification.
Comment: This sequence change creates a premature translational stop signal (p.Leu22Phefs*2) in the BRCA1 gene. It is expected to result in an absent or disrupted protein product. This variant is not present in population databases (ExAC no frequency). This variant has been observed in individuals with high risk of breast and/or ovarian cancer (PMID: 29446198). ClinVar contains an entry for this variant (Variation ID: 236275). Loss-of-function variants in BRCA1 are known to be pathogenic (PMID: 20104584). For these reasons, this variant has been classified as Pathogenic.

Consortium of Investigators of Modifiers of BRCA1/2 (CIMBA), c/o University of Cambridge
Classification: Pathogenic for Breast-ovarian cancer, familial, susceptibility to, 1. Last evaluated: 2015-10-02. Review status: criteria provided, single submitter. Criteria: CIMBA Mutation Classification guidelines May 2016. Collection method: clinical testing. Allele origin: germline. Not counted in ClinVar's aggregate classification.

Breast Cancer Information Core (BIC) (BRCA1)
Classification: Pathogenic for Breast-ovarian cancer, familial 1. Last evaluated: 2003-11-25. Review status: no assertion criteria provided. Collection method: clinical testing. Allele origin: germline. Affected: yes. Observed: 1 variant allele. Not counted in ClinVar's aggregate classification.

Literature cited by the submitters: PubMed 29446198 (cited by Labcorp Genetics (formerly Invitae), Labcorp); PubMed 20104584 (cited by Labcorp Genetics (formerly Invitae), Labcorp).